The following is an entry in ClinVar:

NM_001844.5(COL2A1):c.1924G>A (p.Gly642Arg)

Gene: COL2A1 (collagen type II alpha 1 chain; minus strand). Cytogenetic location: 12q13.11.
Variant type: single nucleotide variant.
Coding change: c.1924G>A on transcript NM_001844.5 (MANE Select); coding-DNA position 1924, G replaced by A.
Protein change: p.Gly642Arg; replaces glycine 642 with arginine.
Molecular consequence: missense variant.
Genome position (GRCh38, 1-based): chr12:47,984,104, C>T on the plus strand (G>A on the coding strand, the complement: COL2A1 is on the minus strand). VCF-style: chr12-47984104-C-T. GRCh37 (hg19) VCF-style: chr12-48377887-C-T.
Other names: c.1717G>A, p.Gly573Arg (NM_033150.3); short protein forms G573R, G642R.
Identifiers: ClinVar variation 692069 (VCV000692069.9), dbSNP rs794727472, ClinGen allele CA384548859.

ClinVar aggregate classification (germline): Pathogenic/Likely pathogenic. Review status: criteria provided, multiple submitters, no conflicts (2 of 4 stars). 2 submissions from 2 submitters: Pathogenic (1); Likely pathogenic (1). Last evaluated 2019-02-04.

Conditions:
COL2A1-related skeletal dysplasia.

Submissions (2):

ARUP Laboratories, Molecular Genetics and Genomics, ARUP Laboratories
Classification: Likely pathogenic. Last evaluated: 2019-02-04. Review status: criteria provided, single submitter. Criteria: ARUP Molecular Germline Variant Investigation Process. Collection method: clinical testing. Allele origin: germline.
Comment: The COL2A1 c.1924G>A; p.Gly642Arg variant, to our knowledge, is not described in the medical literature or in gene-specific databases. It is also absent from general population databases (Exome Variant Server and Genome Aggregation Database), indicating it is not a common polymorphism. This variant disrupts the repeating Gly-X-Y sequence motif of the collagen triple helix and is predicted to impair collagen function (Barat-Houari 2016). Based on available information, this variant is considered pathogenic. REFERENCES Barat-Houari M et al. Mutation Update for COL2A1 Gene Variants Associated with Type II Collagenopathies. Hum Mutat. 2016 Jan;37(1):7-15.

Rady Children's Institute for Genomic Medicine, Rady Children's Hospital San Diego
Classification: Pathogenic for COL2A1-related skeletal dysplasia. Last evaluated: 2019-01-24. Review status: criteria provided, single submitter. Criteria: ACMG Guidelines, 2015. Collection method: clinical testing. Allele origin: germline. Affected: yes. Observed: 1 variant allele.
Comment: This variant has not been previously reported or functionally characterized in the literature to our knowledge. However, a different nucleotide change affecting the same amino acid residue (c.1925G>T p.Gly642Val) has been previously classified as pathogenic for COL2A1-related skeletal dysplasia by an external laboratory. This variant is absent from the ExAC and gnomAD population databases and thus is presumed to be rare. In addition, there are reports of other pathogenic variants in this exon in the Human Gene Mutation Database (HGMD) (PMID:24949742), and in ClinVar, to be associated with skeletal dysplasias. The Gly642Arg variant affects a glycine residue in a Gly-X-Y motif in the triple helical region of the COL2A1 gene, where the majority of pathogenic missense variants occur (PMID: 24077912). Analysis of the parental samples was negative for the variant, indicating this variant likely occurred as a de novo event. Based on the available evidence, the c.1924G>A p.Gly642Arg variant is classified as pathogenic.